The following is an entry in ClinVar:

NM_024408.4(NOTCH2):c.4129G>A (p.Gly1377Ser)

Gene: NOTCH2 (notch receptor 2; minus strand). Cytogenetic location: 1p12.
Variant type: single nucleotide variant.
Coding change: c.4129G>A on transcript NM_024408.4 (MANE Select); coding-DNA position 4129, G replaced by A.
Protein change: p.Gly1377Ser; replaces glycine 1377 with serine.
Molecular consequence: missense variant.
Genome position (GRCh38, 1-based): chr1:119,925,687, C>T on the plus strand (G>A on the coding strand, the complement: NOTCH2 is on the minus strand). VCF-style: chr1-119925687-C-T. GRCh37 (hg19) VCF-style: chr1-120468310-C-T.
Other names: short protein forms G1377S.
Identifiers: ClinVar variation 1939988 (VCV001939988.6), dbSNP rs1368507640, ClinGen allele CA341890745.

ClinVar aggregate classification (germline): Uncertain significance. Review status: criteria provided, multiple submitters, no conflicts (2 of 4 stars). 2 submissions from 2 submitters: Uncertain significance (2). Last evaluated 2025-02-07.

Conditions:
Hajdu-Cheney syndrome (HJCYS). Also called: ACROOSTEOLYSIS WITH OSTEOPOROSIS AND CHANGES IN SKULL AND MANDIBLE; SERPENTINE FIBULA-POLYCYSTIC KIDNEY SYNDROME; Acroosteolysis dominant type. Identifiers: Orphanet 955, MedGen C0917715, MONDO:0007057, OMIM 102500.
Alagille syndrome due to a NOTCH2 point mutation. Also called: Alagille syndrome 2. Identifiers: Orphanet 261629, Orphanet 52, MedGen C1857761, MONDO:0012439, OMIM 610205.

gnomAD v4.1: 3 of 1,612,334 alleles (0.00019%); highest among the groups gnomAD compares: East Asian, 0.0022%; no homozygotes.

Submissions (2):

Labcorp Genetics (formerly Invitae), Labcorp
Classification: Uncertain significance for Hajdu-Cheney syndrome. Last evaluated: 2025-02-07. Review status: criteria provided, single submitter. Criteria: Invitae Variant Classification Sherloc (09022015). Collection method: clinical testing. Allele origin: germline.
Comment: This sequence change replaces glycine, which is neutral and non-polar, with serine, which is neutral and polar, at codon 1377 of the NOTCH2 protein (p.Gly1377Ser). This variant is not present in population databases (gnomAD no frequency). This variant has not been reported in the literature in individuals affected with NOTCH2-related conditions. ClinVar contains an entry for this variant (Variation ID: 1939988). Invitae Evidence Modeling of protein sequence and biophysical properties (such as structural, functional, and spatial information, amino acid conservation, physicochemical variation, residue mobility, and thermodynamic stability) indicates that this missense variant is not expected to disrupt NOTCH2 protein function with a negative predictive value of 80%. In summary, the available evidence is currently insufficient to determine the role of this variant in disease. Therefore, it has been classified as a Variant of Uncertain Significance.

Fulgent Genetics
Classification: Uncertain significance for Hajdu-Cheney syndrome; Alagille syndrome due to a NOTCH2 point mutation. Last evaluated: 2024-02-04. Review status: criteria provided, single submitter. Criteria: ACMG Guidelines, 2015. Collection method: clinical testing. Allele origin: germline.